The following is an entry in ClinVar:

ClinVar aggregate classification (germline): Conflicting classifications of pathogenicity. Review status: criteria provided, conflicting classifications (1 of 4 stars). 7 submissions from 7 submitters: Uncertain significance (1); Benign (1); Likely benign (4). 1 of the submissions does not count toward it. Last evaluated 2026-01-26.

Conditions:
COL7A1-related disorder. Also called: COL7A1- related disorders; COL7A1-related condition.
Epidermolysis bullosa dystrophica. Also called: Dystrophic epidermolysis bullosa, Hallopeau-Siemens type (formerly); Dystrophic epidermolysis bullosa. Identifiers: Orphanet 303, MedGen C0079294, MONDO:0006543.

Allele frequency attached by ClinVar (database versions not stated): TOPMed 0.00125; gnomAD 0.00141 and 0.00150; gnomAD exomes 0.00186 and 0.00199; ESP Exome Variant Server 0.00208; ExAC 0.00265; 1000 Genomes Project 0.00060; 1000 Genomes Project 30x 0.00062.

Submissions (7):

Labcorp Genetics (formerly Invitae), Labcorp
Classification: Benign. Last evaluated: 2026-01-26. Review status: criteria provided, single submitter. Criteria: Invitae Variant Classification Sherloc (09022015). Collection method: clinical testing. Allele origin: germline.

Women's Health and Genetics/Laboratory Corporation of America, LabCorp
Classification: Likely benign. Last evaluated: 2025-12-19. Review status: criteria provided, single submitter. Criteria: LabCorp Variant Classification Summary - May 2015. Collection method: clinical testing. Allele origin: germline.
Comment: Variant summary: COL7A1 c.4373C>T (p.Pro1458Leu) results in a non-conservative amino acid change in the encoded protein sequence. Algorithms developed to predict the effect of missense changes on protein structure and function all suggest that this variant is likely to be disruptive. The variant allele was found at a frequency of 0.002 in 251284 control chromosomes, predominantly at a frequency of 0.0037 within the Non-Finnish European subpopulation in the gnomAD database, including 2 homozygotes. The observed variant frequency within Non-Finnish European control individuals in the gnomAD database exceeds the estimated maximal expected allele frequency for disease-causing variants in COL7A1. Although the variant, c.4373C>T, has been observed in individuals affected with Dystrophic Epidermolysis Bullosa (e.g. Varki_2007, Almaani_2011, Saeidian_2018, Cao_2022, Tartaglia_2024), these patients also carried co-occurring variant(s) which could potentially explain the phenotype. Therefore, these reports do not provide unequivocal conclusions about association of the variant with Dystrophic Epidermolysis Bullosa, Recessive. To our knowledge, no experimental evidence demonstrating an impact on protein function has been reported. The following publications have been ascertained in the context of this evaluation (PMID: 16971478, 21448560, 29473190, 38462666, 35779741, 35979658). ClinVar contains an entry for this variant (Variation ID: 372333). Based on the evidence outlined above, the variant was classified as likely benign.

CeGaT Center for Human Genetics Tuebingen
Classification: Likely benign. Last evaluated: 2025-01-01. Review status: criteria provided, single submitter. Criteria: CeGaT Center For Human Genetics Tuebingen Variant Classification Criteria Version 2. Collection method: clinical testing. Allele origin: germline. Affected: yes. Observed: 3 variant alleles.
Comment: COL7A1: BS2

Blueprint Genetics
Classification: Uncertain significance. Last evaluated: 2024-11-08. Review status: criteria provided, single submitter. Criteria: ACMG Guidelines, 2015. Collection method: clinical testing. Allele origin: germline.

PreventionGenetics, part of Exact Sciences
Classification: Likely benign for COL7A1-related condition. Last evaluated: 2024-10-03. Review status: criteria provided, single submitter. Criteria: ACMG Guidelines, 2015. Collection method: clinical testing. Allele origin: germline.
Comment: This variant is classified as likely benign based on ACMG/AMP sequence variant interpretation guidelines (Richards et al. 2015 PMID: 25741868, with internal and published modifications).

Illumina Laboratory Services, Illumina
Classification: Likely benign for Dystrophic epidermolysis bullosa. Last evaluated: 2017-04-27. Review status: criteria provided, single submitter. Criteria: ICSL Variant Classification Criteria 13 December 2019. Collection method: clinical testing. Allele origin: germline.
Comment: This variant was observed as part of a predisposition screen in an ostensibly healthy population. A literature search was performed for the gene, cDNA change, and amino acid change (where applicable). Publications were found based on this search. The evidence from the literature, in combination with allele frequency data from public databases where available, was sufficient to determine this variant is unlikely to cause disease. Therefore, this variant is classified as likely benign.

GeneDx
Classification: Pathogenic. Last evaluated: 2015-06-02. Review status: flagged submission. Criteria: GeneDx Variant Classification (06012015). Collection method: clinical testing. Allele origin: germline. Affected: yes. Not counted in ClinVar's aggregate classification.
Comment: The P1458L pathogenic variant in the COL7A1 gene has been reported previously in association with epidermolysis bullosa in two individuals who harbored a second Glycine substitution variant on the same allele as P1458L and a third COL7A1 mutation on the opposite allele (Varki et al., 2007). Although not present in the homozygous state, the NHLBI Exome Sequencing Project reports P1458L was observed in 26/8600 alleles (0.3%) from individuals of European background. P1458L is a semi-conservative amino acid substitution, which may impact secondary protein structure as these residues differ in some properties. This substitution occurs at a position that is conserved across species. In silico analysis predicts this variant is probably damaging to the protein structure/function. We interpret P1458L as a pathogenic variant.
ClinVar note: Reason: Outlier claim with insufficient supporting evidence

Literature cited by the submitters: PubMed 16971478 (cited by Women's Health and Genetics/Laboratory Corporation of America, LabCorp and Illumina Laboratory Services, Illumina); PubMed 21448560 (cited by Women's Health and Genetics/Laboratory Corporation of America, LabCorp and Illumina Laboratory Services, Illumina); PubMed 35979658 (cited by Women's Health and Genetics/Laboratory Corporation of America, LabCorp); PubMed 29473190 (cited by Women's Health and Genetics/Laboratory Corporation of America, LabCorp); PubMed 35779741 (cited by Women's Health and Genetics/Laboratory Corporation of America, LabCorp); PubMed 38462666 (cited by Women's Health and Genetics/Laboratory Corporation of America, LabCorp); PubMed 19814614 (cited by Illumina Laboratory Services, Illumina); PubMed 16484981 (cited by Illumina Laboratory Services, Illumina).

NM_000094.4(COL7A1):c.4373C>T (p.Pro1458Leu)

Gene: COL7A1 (collagen type VII alpha 1 chain; minus strand). Cytogenetic location: 3p21.31.
Variant type: single nucleotide variant.
Coding change: c.4373C>T on transcript NM_000094.4 (MANE Select); coding-DNA position 4373, C replaced by T.
Protein change: p.Pro1458Leu; replaces proline 1458 with leucine.
Molecular consequence: missense variant.
Genome position (GRCh38, 1-based): chr3:48,583,584, G>A on the plus strand (C>T on the coding strand, the complement: COL7A1 is on the minus strand). VCF-style: chr3-48583584-G-A. GRCh37 (hg19) VCF-style: chr3-48621017-G-A.
Other names: short protein forms P1458L.
Identifiers: ClinVar variation 372333 (VCV000372333.47), dbSNP rs79378857, ClinGen allele CA2380076.
Genomic context (GRCh38, chr3:48,583,584, plus strand): 5'-CCATATTCAGAATCCCTGGCCCCTCCACTCACCTGCTCACCCGGAGACCCAGGTTGTCCT[G>A]GGAGGCCTGGAGCTCCATCCTCAGAGTCACCCTGAAGGAGAAACACACGGGTGGGAAGAC-3'
Protein context (NP_000085.1, residues 1448-1468): GDSEDGAPGL[Pro1458Leu]GQPGSPGEQG